The following is an entry in ClinVar:

NM_003985.6(TNK1):c.1696G>C (p.Gly566Arg)

Gene: TNK1 (tyrosine kinase non receptor 1; plus strand). Cytogenetic location: 17p13.1.
Variant type: single nucleotide variant.
Coding change: c.1696G>C on transcript NM_003985.6 (MANE Select); coding-DNA position 1696, G replaced by C.
Protein change: p.Gly566Arg; replaces glycine 566 with arginine.
Molecular consequence: missense variant.
Genome position (GRCh38, 1-based): chr17:7,388,624, G>C. VCF-style: chr17-7388624-G-C. GRCh37 (hg19) VCF-style: chr17-7291943-G-C.
Other names: c.1711G>C, p.Gly571Arg (NM_001251902.3); short protein forms G566R, G571R.
Identifiers: ClinVar variation 783766 (VCV000783766.5), dbSNP rs80015268, ClinGen allele CA8345283.

ClinVar aggregate classification (germline): Benign. Review status: criteria provided, single submitter (1 of 4 stars). 2 submissions from 2 submitters: Benign (1). 1 of the submissions does not count toward it. Last evaluated 2018-02-25.

Conditions:
TNK1-related disorder. Also called: TNK1-related condition.

Allele frequency attached by ClinVar (database versions not stated): gnomAD exomes 0.00078 and 0.00211; ExAC 0.00264; ESP Exome Variant Server 0.00808; gnomAD 0.00851 and 0.00914; TOPMed 0.00942; 1000 Genomes Project 0.00998.
gnomAD v4.1: 2,514 of 1,613,960 alleles (0.16%); highest among the groups gnomAD compares: African/African-American, 2.9%; 31 homozygotes.

Submissions (2):

Labcorp Genetics (formerly Invitae), Labcorp
Classification: Benign. Last evaluated: 2018-02-25. Review status: criteria provided, single submitter. Criteria: Invitae Variant Classification Sherloc (09022015). Collection method: clinical testing. Allele origin: germline.

PreventionGenetics, part of Exact Sciences
Classification: Benign for TNK1-related condition. Last evaluated: 2019-04-10. Review status: no assertion criteria provided. Collection method: clinical testing. Allele origin: germline. Not counted in ClinVar's aggregate classification.
Comment: This variant is classified as benign based on ACMG/AMP sequence variant interpretation guidelines (Richards et al. 2015 PMID: 25741868, with internal and published modifications).